The following is an entry in ClinVar:

ClinVar aggregate classification (germline): Conflicting classifications of pathogenicity. Review status: criteria provided, conflicting classifications (1 of 4 stars). 2 submissions from 2 submitters: Uncertain significance (1); Likely benign (1). Last evaluated 2024-10-16.

Conditions:
HCFC1-related disorder. Also called: HCFC1-related condition.

Allele frequency attached by ClinVar (database versions not stated): gnomAD exomes below 0.00001 and 0.00001.
gnomAD v4.1: 1 of 1,211,611 alleles (0.000083%); highest among the groups gnomAD compares: Non-Finnish European, 0.00011%; no homozygotes.

Submissions (2):

PreventionGenetics, part of Exact Sciences
Classification: Uncertain significance for HCFC1-related condition. Last evaluated: 2024-10-16. Review status: criteria provided, single submitter. Criteria: ACMG Guidelines, 2015. Collection method: clinical testing. Allele origin: germline.
Comment: The HCFC1 c.1472G>T variant is predicted to result in the amino acid substitution p.Gly491Val. To our knowledge, this variant has not been reported in the literature. This variant is reported in 0.0012% of alleles in individuals of European (non-Finnish) descent in gnomAD. At this time, the clinical significance of this variant is uncertain due to the absence of conclusive functional and genetic evidence.

GeneDx
Classification: Likely benign. Last evaluated: 2018-12-12. Review status: criteria provided, single submitter. Criteria: GeneDx Variant Classification Process June 2021. Collection method: clinical testing. Allele origin: germline. Affected: yes.

NM_005334.3(HCFC1):c.1472G>T (p.Gly491Val)

Gene: HCFC1 (host cell factor C1; minus strand). Cytogenetic location: Xq28.
Variant type: single nucleotide variant.
Coding change: c.1472G>T on transcript NM_005334.3 (MANE Select); coding-DNA position 1472, G replaced by T.
Protein change: p.Gly491Val; replaces glycine 491 with valine.
Molecular consequence: missense variant.
Genome position (GRCh38, 1-based): chrX:153,959,464, C>A on the plus strand (G>T on the coding strand, the complement: HCFC1 is on the minus strand). VCF-style: chrX-153959464-C-A. GRCh37 (hg19) VCF-style: chrX-153224915-C-A.
Other names: short protein forms G491V.
Identifiers: ClinVar variation 393166 (VCV000393166.5), dbSNP rs1057524819, ClinGen allele CA16608784.